The following is an entry in ClinVar:

NM_003722.5(TP63):c.1685T>C (p.Leu562Pro)

Gene: TP63 (tumor protein p63; plus strand). Cytogenetic location: 3q28.
Variant type: single nucleotide variant.
Coding change: c.1685T>C on transcript NM_003722.5 (MANE Select); coding-DNA position 1685, T replaced by C.
Protein change: p.Leu562Pro; replaces leucine 562 with proline.
Molecular consequence: missense variant. On other transcripts: intron variant (6).
Genome position (GRCh38, 1-based): chr3:189,890,821, T>C. VCF-style: chr3-189890821-T-C. GRCh37 (hg19) VCF-style: chr3-189608610-T-C.
Other names: c.1403T>C, p.Leu468Pro (NM_001114980.2); c.1148T>C, p.Leu383Pro (NM_001329146.2); c.1673T>C, p.Leu558Pro (NM_001329148.2); c.1370+1337T>C (NM_001114981.2); c.1226-3385T>C (NM_001329145.2); c.1214-3385T>C (NM_001329149.2); c.959-3385T>C (NM_001329150.2); c.1679T>C, p.Leu560Pro (NM_001329964.2); and 2 more; short protein forms L383P, L468P, L558P, L560P, L562P.
Identifiers: ClinVar variation 689635 (VCV000689635.3), dbSNP rs774221257, ClinGen allele CA355758994.

ClinVar aggregate classification (germline): Pathogenic/Likely pathogenic. Review status: criteria provided, multiple submitters, no conflicts (2 of 4 stars). 2 submissions from 2 submitters: Pathogenic (1); Likely pathogenic (1). Last evaluated 2024-10-01.

Conditions:
Ectrodactyly, ectodermal dysplasia, and cleft lip-palate syndrome 3. Also called: Ectrodactyly, Ectodermal Dysplasia, Clefting Syndrome; Ectrodactyly, Ectodermal Dysplasia, Clefting Syndrome Type 3 (EEC3); Ectrodactyly, Ectodermal Dysplasia, Cleft Lip/Palate Syndrome 3 (EEC3); EEC SYNDROME 3. Identifiers: Orphanet 1896, MedGen C1858562, MONDO:0011428, OMIM 604292.

Submissions (2):

GeneDx
Classification: Pathogenic. Last evaluated: 2024-10-01. Review status: criteria provided, single submitter. Criteria: GeneDx Variant Classification Process June 2021. Collection method: clinical testing. Allele origin: germline. Affected: yes.
Comment: Not observed at significant frequency in large population cohorts (gnomAD); In silico analysis indicates that this missense variant does not alter protein structure/function; Also known as c.1568T>C p.L523P; This variant is associated with the following publications: (PMID: 29339502, 11159940, 34827731, 34930662, 22740388)

HudsonAlpha Institute for Biotechnology
Classification: Likely pathogenic for Ectrodactyly, ectodermal dysplasia, and cleft lip-palate syndrome 3. Last evaluated: 2019-05-29. Review status: criteria provided, single submitter. Criteria: ACMG Guidelines, 2015. Collection method: research. Allele origin: de novo. Affected: yes. Observed: 1 variant allele. Study: CSER-SouthSeq.
Comment: ACMG codes: PS2, PM1, PM2, PP3